The following is an entry in ClinVar:

ClinVar aggregate classification (germline): Conflicting classifications of pathogenicity. Review status: criteria provided, conflicting classifications (1 of 4 stars). 4 submissions from 4 submitters: Likely pathogenic (2); Uncertain significance (1). 1 of the submissions does not count toward it. Last evaluated 2023-12-15.

Conditions:
Liang-Wang syndrome. Identifiers: Orphanet 664438, MedGen C5231479, MONDO:0032886, OMIM 618729.
Intellectual disability. Also called: Intellectual functioning disability; Intellectual developmental disorder; intellectual disabilities. Identifiers: MedGen C3714756, MeSH D008607, MONDO:0001071, HP:0001249.

Allele frequency attached by ClinVar (database versions not stated): gnomAD exomes below 0.00001.
gnomAD v4.1: 6 of 1,613,902 alleles (0.00037%); highest among the groups gnomAD compares: Non-Finnish European, 0.00042%; no homozygotes.

Submissions (4):

GeneDx
Classification: Likely pathogenic. Last evaluated: 2023-12-15. Review status: criteria provided, single submitter. Criteria: GeneDx Variant Classification Process June 2021. Collection method: clinical testing. Allele origin: germline. Affected: yes.
Comment: Published functional studies suggest a damaging effect with reduced current amplitude (PMID: 31152168); Not observed at significant frequency in large population cohorts (gnomAD); In silico analysis supports that this missense variant has a deleterious effect on protein structure/function; This variant is associated with the following publications: (PMID: 31152168)

Blueprint Genetics
Classification: Uncertain significance. Last evaluated: 2022-11-30. Review status: criteria provided, single submitter. Criteria: ACMG Guidelines, 2015. Collection method: clinical testing. Allele origin: germline.

Diagnostic Laboratory, Strasbourg University Hospital
Classification: Likely pathogenic for Intellectual disability. Last evaluated: 2020-04-20. Review status: criteria provided, single submitter. Criteria: ACMG Guidelines, 2015. Collection method: clinical testing. Allele origin: de novo. Inheritance: Autosomal dominant inheritance. Affected: yes. Observed: 1 heterozygote.

OMIM
Classification: Pathogenic for LIANG-WANG SYNDROME. Last evaluated: 2020-01-10. Review status: no assertion criteria provided. Collection method: literature only. Allele origin: germline. Not counted in ClinVar's aggregate classification.

Literature cited by the submitters: PubMed 31152168 (cited by OMIM).

NM_001161352.2(KCNMA1):c.3022G>A (p.Asp1008Asn)

Genes: KCNMA1 (potassium calcium-activated channel subfamily M alpha 1; minus strand), KCNMA1-AS1 (KCNMA1 antisense RNA 1; plus strand). Cytogenetic location: 10q22.3.
Variant type: single nucleotide variant.
Coding change: c.3022G>A on transcript NM_001161352.2 (MANE Select); coding-DNA position 3022, G replaced by A.
Protein change: p.Asp1008Asn; replaces aspartic acid 1008 with asparagine.
Molecular consequence: missense variant.
Genome position (GRCh38, 1-based): chr10:76,910,091, C>T on the plus strand (G>A on the coding strand, the complement: KCNMA1 is on the minus strand). VCF-style: chr10-76910091-C-T. GRCh37 (hg19) VCF-style: chr10-78669849-C-T.
Other names: c.2860G>A, p.Asp954Asn (NM_001014797.3); c.2971G>A, p.Asp991Asn (NM_001161353.2); c.2698G>A, p.Asp900Asn (NM_001271518.2); c.2938G>A, p.Asp980Asn (NM_001271519.2); c.2857G>A, p.Asp953Asn (NM_001322829.2, NM_001322836.2); c.2950G>A, p.Asp984Asn (NM_001322830.2); c.2848G>A, p.Asp950Asn (NM_001322832.2, NM_002247.4); c.2941G>A, p.Asp981Asn (NM_001322835.2, NM_001322837.2); and 2 more; short protein forms D1008N, D799N, D900N, D950N, D953N, D954N, D980N, D981N.
Identifiers: ClinVar variation 978933 (VCV000978933.5), dbSNP rs2049489016, ClinGen allele CA377403992.